The following is an entry in ClinVar:

ClinVar aggregate classification (germline): Pathogenic (1 of 4 stars; one submission).

Conditions:
Familial thoracic aortic aneurysm and aortic dissection (TAAD). Also called: Thoracic aortic aneurysms and dissections. Identifiers: Orphanet 91387, MedGen C4707243, MONDO:0019625.

Submission:

Labcorp Genetics (formerly Invitae), Labcorp
Classification: Pathogenic for Familial thoracic aortic aneurysm and aortic dissection. Last evaluated: 2017-10-14. Review status: criteria provided, single submitter. Criteria: Invitae Variant Classification Sherloc (09022015). Collection method: clinical testing. Allele origin: germline.
Comment: Loss-of-function variants in TGFBR1 are known to be pathogenic in the context of multiple self-healing squamous epithelioma (PMID: 21358634). This sequence change creates a premature translational stop signal (p.Gly261*) in the TGFBR1 gene. It is expected to result in an absent or disrupted protein product. This variant is not present in population databases (ExAC no frequency). This variant has not been reported in the literature in individuals with TGFBR1-related disease. For these reasons, this variant has been classified as Pathogenic.

Literature cited by the submitters: PubMed 21358634.

NM_004612.4(TGFBR1):c.781G>T (p.Gly261Ter)

Gene: TGFBR1 (transforming growth factor beta receptor 1; plus strand). Cytogenetic location: 9q22.33.
Variant type: single nucleotide variant.
Coding change: c.781G>T on transcript NM_004612.4 (MANE Select); coding-DNA position 781, G replaced by T.
Protein change: p.Gly261Ter; replaces glycine 261 with a stop codon.
Molecular consequence: nonsense.
Genome position (GRCh38, 1-based): chr9:99,138,065, G>T. VCF-style: chr9-99138065-G-T. GRCh37 (hg19) VCF-style: chr9-101900347-G-T.
Other names: c.550G>T, p.Gly184Ter (NM_001130916.3); c.793G>T, p.Gly265Ter (NM_001306210.2); short protein forms G261*, G184*, G265*.
Identifiers: ClinVar variation 477562 (VCV000477562.7), dbSNP rs1554700672, ClinGen allele CA374230291.